The following is an entry in ClinVar:

ClinVar aggregate classification (germline): Uncertain significance. Review status: criteria provided, multiple submitters, no conflicts (2 of 4 stars). 2 submissions from 2 submitters: Uncertain significance (2). Last evaluated 2025-11-26.

Allele frequency attached by ClinVar (database versions not stated): ExAC 0.00001; gnomAD exomes 0.00001.

Submissions (2):

Ambry Genetics
Classification: Uncertain significance. Last evaluated: 2025-11-26. Review status: criteria provided, single submitter. Criteria: Ambry Variant Classification Scheme 2023. Collection method: clinical testing. Allele origin: germline.

Labcorp Genetics (formerly Invitae), Labcorp
Classification: Uncertain significance. Last evaluated: 2025-02-23. Review status: criteria provided, single submitter. Criteria: Invitae Variant Classification Sherloc (09022015). Collection method: clinical testing. Allele origin: germline.
Comment: This sequence change replaces arginine, which is basic and polar, with leucine, which is neutral and non-polar, at codon 363 of the KCNK4 protein (p.Arg363Leu). This variant is present in population databases (rs778403926, gnomAD 0.003%). This variant has not been reported in the literature in individuals affected with KCNK4-related conditions. ClinVar contains an entry for this variant (Variation ID: 1492616). Experimental studies and prediction algorithms are not available or were not evaluated, and the functional significance of this variant is currently unknown. In summary, the available evidence is currently insufficient to determine the role of this variant in disease. Therefore, it has been classified as a Variant of Uncertain Significance.

NM_033310.3(KCNK4):c.1088G>T (p.Arg363Leu)

Genes: KCNK4 (potassium two pore domain channel subfamily K member 4; plus strand), KCNK4-CATSPERZ (KCNK4-CATSPERZ readthrough (NMD candidate); plus strand). Cytogenetic location: 11q13.1.
Variant type: single nucleotide variant.
Coding change: c.1088G>T on transcript NM_033310.3 (MANE Select); coding-DNA position 1088, G replaced by T.
Protein change: p.Arg363Leu; replaces arginine 363 with leucine.
Molecular consequence: missense variant. On other transcripts: non-coding transcript variant (3).
Genome position (GRCh38, 1-based): chr11:64,299,632, G>T. VCF-style: chr11-64299632-G-T. GRCh37 (hg19) VCF-style: chr11-64067104-G-T.
Other names: c.1088G>T, p.Arg363Leu (NM_001317090.2); c.1088G>T (NM_033310.2); short protein forms R363L.
Identifiers: ClinVar variation 1492616 (VCV001492616.9), dbSNP rs778403926, ClinGen allele CA6073250.
Genomic context (GRCh38, chr11:64,299,632, plus strand): 5'-ACCTGGCCTTCATCGACGAGTCCTCGGATACGCAGAGCGAGCGCGGCTGCCCGCTGCCCC[G>T]CGCGCCGAGAGGTCGCCGCCGCCCAAATCCCCCCAGGAAGCCCGTGCGGCCCCGCGGCCC-3'
Protein context (NP_201567.1, residues 353-373): TQSERGCPLP[Arg363Leu]APRGRRRPNP